The following is an entry in ClinVar:

NM_001039111.3(TRIM71):c.1959C>T (p.Phe653=)

Gene: TRIM71 (tripartite motif containing 71; plus strand). Cytogenetic location: 3p22.3.
Variant type: single nucleotide variant.
Coding change: c.1959C>T on transcript NM_001039111.3 (MANE Select); coding-DNA position 1959, C replaced by T.
Protein change: p.Phe653=; no amino-acid change (phenylalanine 653 retained).
Molecular consequence: synonymous variant.
Genome position (GRCh38, 1-based): chr3:32,891,163, C>T. VCF-style: chr3-32891163-C-T. GRCh37 (hg19) VCF-style: chr3-32932655-C-T.
Identifiers: ClinVar variation 2583009 (VCV002583009.25), dbSNP rs184923688, ClinGen allele CA2298932.

ClinVar aggregate classification (germline): Likely benign (1 of 4 stars; one submission).

Allele frequency attached by ClinVar (database versions not stated): 1000 Genomes Project 0.00060; 1000 Genomes Project 30x 0.00094; TOPMed 0.00094; ESP Exome Variant Server 0.00135; gnomAD 0.00297; ExAC 0.00311.
gnomAD v4.1: 2,957 of 1,613,286 alleles (0.18%); highest among the groups gnomAD compares: Non-Finnish European, 0.11%; 29 homozygotes.

Submission:

CeGaT Center for Human Genetics Tuebingen
Classification: Likely benign. Last evaluated: 2025-05-01. Review status: criteria provided, single submitter. Criteria: CeGaT Center For Human Genetics Tuebingen Variant Classification Criteria Version 2. Collection method: clinical testing. Allele origin: germline. Affected: yes. Observed: 5 variant alleles.
Comment: TRIM71: BP4, BP7